The following is an entry in ClinVar:

NM_022455.5(NSD1):c.5303+1G>C

Gene: NSD1 (nuclear receptor binding SET domain protein 1; plus strand). Cytogenetic location: 5q35.3.
Variant type: single nucleotide variant.
Coding change: c.5303+1G>C on transcript NM_022455.5 (MANE Select); the canonical splice donor site of the intron after coding-DNA position 5303, G replaced by C.
Molecular consequence: splice donor variant.
Genome position (GRCh38, 1-based): chr5:177,267,719, G>C. VCF-style: chr5-177267719-G-C. GRCh37 (hg19) VCF-style: chr5-176694720-G-C.
Other names: c.5303+1G>C (NM_001409301.1, NM_001409302.1, NM_001409303.1); c.4883+1G>C (NM_001409304.1); c.4550+1G>C (NM_001409305.1); c.4541+1G>C (NM_001409306.1, NM_001409307.1); c.4430+1G>C (NM_001409308.1, NM_172349.5, NM_001409309.1 and 1 more transcripts).
Identifiers: ClinVar variation 159362 (VCV000159362.14), dbSNP rs587784141, ClinGen allele CA294943.

ClinVar aggregate classification (germline): Pathogenic/Likely pathogenic. Review status: criteria provided, multiple submitters, no conflicts (2 of 4 stars). 3 submissions from 3 submitters: Pathogenic (2); Likely pathogenic (1). Last evaluated 2021-07-15.

Conditions:
Sotos syndrome (SOTOS). Also called: Distinctive facial appearance, overgrowth in childhood, and learning disabilities or delayed development; CEREBRAL GIGANTISM; Sotos' syndrome; CHROMOSOME 5q35 DELETION SYNDROME; SOTOS SYNDROME 1. Identifiers: Orphanet 821, MedGen C0175695, MONDO:0019349, OMIM 117550.

Submissions (3):

Genome-Nilou Lab
Classification: Pathogenic for Sotos syndrome. Last evaluated: 2021-07-15. Review status: criteria provided, single submitter. Criteria: ACMG Guidelines, 2015. Collection method: clinical testing. Allele origin: germline. Affected: no.

Labcorp Genetics (formerly Invitae), Labcorp
Classification: Likely pathogenic. Last evaluated: 2018-03-28. Review status: criteria provided, single submitter. Criteria: Invitae Variant Classification Sherloc (09022015). Collection method: clinical testing. Allele origin: germline.
Comment: In summary, the currently available evidence indicates that the variant is pathogenic, but additional data are needed to prove that conclusively. Therefore, this variant has been classified as Likely Pathogenic. Donor and acceptor splice site variants typically lead to a loss of protein function (PMID: 16199547), and loss-of-function variants in NSD1 are known to be pathogenic (PMID: 12464997, 14571271, 15942875, 16247291). Algorithms developed to predict the effect of sequence changes on RNA splicing suggest that this variant may disrupt the consensus splice site, but this prediction has not been confirmed by published transcriptional studies. This variant has been reported in an individual affected with Sotos syndrome (PMID: 16247291). This variant is also known as IVS15+1G>C in the literature. ClinVar contains an entry for this variant (Variation ID: 159362). This variant is not present in population databases (ExAC no frequency). This sequence change affects a donor splice site in intron 15 of the NSD1 gene. It is expected to disrupt RNA splicing and likely results in an absent or disrupted protein product.

Genetic Services Laboratory, University of Chicago
Classification: Pathogenic for Sotos syndrome 1. Last evaluated: 2013-02-08. Review status: criteria provided, single submitter. Criteria: ACMG Guidelines, 2007. Collection method: clinical testing. Allele origin: germline. Inheritance: Autosomal dominant inheritance. Affected: yes.

Literature cited by the submitters: PubMed 16199547 (cited by Labcorp Genetics (formerly Invitae), Labcorp); PubMed 12464997 (cited by Labcorp Genetics (formerly Invitae), Labcorp); PubMed 14571271 (cited by Labcorp Genetics (formerly Invitae), Labcorp); PubMed 15942875 (cited by Labcorp Genetics (formerly Invitae), Labcorp); PubMed 16247291 (cited by Labcorp Genetics (formerly Invitae), Labcorp).